The following is an entry in ClinVar:

ClinVar aggregate classification (germline): Pathogenic. Review status: criteria provided, multiple submitters, no conflicts (2 of 4 stars). 2 submissions from 2 submitters: Pathogenic (2). Last evaluated 2025-07-16.

Conditions:
Jeune thoracic dystrophy. Also called: Infantile thoracic dystrophy; Thoracic pelvic phalangeal dystrophy; Jeune's syndrome; Chondroectodermal dysplasia-like syndrome; Jeune syndrome; Short-rib thoracic dysplasia. Identifiers: Orphanet 474, MedGen C0265275, MONDO:0018770.
Asphyxiating thoracic dystrophy 3. Also called: POLYDACTYLY WITH NEONATAL CHONDRODYSTROPHY, TYPE I; Short rib polydactyly syndrome 2B; SHORT-RIB THORACIC DYSPLASIA 3/6 WITH POLYDACTYLY, DIGENIC; SHORT-RIB THORACIC DYSPLASIA 3 WITH OR WITHOUT POLYDACTYLY; Saldino-Noonan Syndrome. Identifiers: Orphanet 474, Orphanet 93269, Orphanet 93270, Orphanet 93271, MedGen C0036069, MONDO:0013127, OMIM 613091.

Allele frequency attached by ClinVar (database versions not stated): gnomAD exomes below 0.00001; TOPMed 0.00001.

Submissions (2):

Myriad Genetics, Inc.
Classification: Pathogenic for Asphyxiating thoracic dystrophy 3. Last evaluated: 2025-07-16. Review status: criteria provided, single submitter. Criteria: Myriad Autosomal Dominant, Autosomal Recessive and X-Linked Classification Criteria (2023). Collection method: clinical testing. Allele origin: unknown.
Comment: NM_001377.2(DYNC2H1):c.4724delC(T1575Ifs*25) is a frameshift variant classified as pathogenic in the context of DYNC2H1-related disorders. T1575Ifs*25 has not been observed in cases with relevant disease. Relevant functional assessments of this variant are not available in the literature. T1575Ifs*25 has not been observed in referenced population frequency databases. In summary, NM_001377.2(DYNC2H1):c.4724delC(T1575Ifs*25) is a frameshift variant in a gene where loss of function is a known mechanism of disease and is predicted to disrupt protein function. Please note: this variant was assessed in the context of healthy population screening.

Labcorp Genetics (formerly Invitae), Labcorp
Classification: Pathogenic for Jeune thoracic dystrophy. Last evaluated: 2022-08-09. Review status: criteria provided, single submitter. Criteria: Invitae Variant Classification Sherloc (09022015). Collection method: clinical testing. Allele origin: germline.
Comment: This variant has not been reported in the literature in individuals affected with DYNC2H1-related conditions. This sequence change creates a premature translational stop signal (p.Thr1575Ilefs*25) in the DYNC2H1 gene. It is expected to result in an absent or disrupted protein product. Loss-of-function variants in DYNC2H1 are known to be pathogenic (PMID: 23339108, 32753734). This variant is not present in population databases (gnomAD no frequency). ClinVar contains an entry for this variant (Variation ID: 1350595). For these reasons, this variant has been classified as Pathogenic.

Literature cited by the submitters: PubMed 23339108 (cited by Labcorp Genetics (formerly Invitae), Labcorp); PubMed 32753734 (cited by Labcorp Genetics (formerly Invitae), Labcorp).

NM_001377.3(DYNC2H1):c.4724del (p.Thr1575fs)

Gene: DYNC2H1 (dynein cytoplasmic 2 heavy chain 1; plus strand). Cytogenetic location: 11q22.3.
Variant type: Deletion.
Coding change: c.4724del on transcript NM_001377.3 (MANE Select); coding-DNA position 4724, one base deleted (C; older notation c.4724delC).
Protein change: p.Thr1575fs; shifts the reading frame from threonine 1575.
Molecular consequence: frameshift variant.
Genome position (GRCh38, 1-based): chr11:103,166,010, C deleted. VCF-style (leftmost placement, unchanged base first): chr11-103166009-AC-A. GRCh37 (hg19) VCF-style: chr11-103036738-AC-A.
Other names: c.4724del, p.Thr1575fs (NM_001080463.2); short protein forms T1575fs.
Identifiers: ClinVar variation 1350595 (VCV001350595.8), dbSNP rs1243716539, ClinGen allele CA670954221.